The following is an entry in ClinVar:

ClinVar aggregate classification (germline): Likely benign. Review status: criteria provided, multiple submitters, no conflicts (2 of 4 stars). 3 submissions from 3 submitters: Likely benign (3). Last evaluated 2025-11-27.

Conditions:
PIEZO1-related disorder. Also called: PIEZO1-related condition; PIEZO1-Related Disorders.

Allele frequency attached by ClinVar (database versions not stated): TOPMed 0.00008; gnomAD 0.00009.
gnomAD v4.1: 105 of 1,551,210 alleles (0.0068%); highest among the groups gnomAD compares: African/African-American, 0.063%; 2 homozygotes.

Submissions (3):

Labcorp Genetics (formerly Invitae), Labcorp
Classification: Likely benign. Last evaluated: 2025-11-27. Review status: criteria provided, single submitter. Criteria: Invitae Variant Classification Sherloc (09022015). Collection method: clinical testing. Allele origin: germline.

PreventionGenetics, part of Exact Sciences
Classification: Likely benign for PIEZO1-related condition. Last evaluated: 2025-06-09. Review status: criteria provided, single submitter. Criteria: ACMG Guidelines, 2015. Collection method: clinical testing. Allele origin: germline.
Comment: This variant is classified as likely benign based on ACMG/AMP sequence variant interpretation guidelines (Richards et al. 2015 PMID: 25741868, with internal and published modifications).

Blueprint Genetics
Classification: Likely benign. Last evaluated: 2022-11-08. Review status: criteria provided, single submitter. Criteria: ACMG Guidelines, 2015. Collection method: clinical testing. Allele origin: germline.

NM_001142864.4(PIEZO1):c.6597C>T (p.Ser2199=)

Gene: PIEZO1 (piezo type mechanosensitive ion channel component 1 (Er blood group); minus strand). Cytogenetic location: 16q24.3.
Variant type: single nucleotide variant.
Coding change: c.6597C>T on transcript NM_001142864.4 (MANE Select); coding-DNA position 6597, C replaced by T.
Protein change: p.Ser2199=; no amino-acid change (serine 2199 retained).
Molecular consequence: synonymous variant.
Genome position (GRCh38, 1-based): chr16:88,717,086, G>A on the plus strand (C>T on the coding strand, the complement: PIEZO1 is on the minus strand). VCF-style: chr16-88717086-G-A. GRCh37 (hg19) VCF-style: chr16-88783494-G-A.
Other names: c.6597C>T (NM_001142864.3); c.5139C>T, p.Ser1713= (NM_014745.1).
Identifiers: ClinVar variation 1902590 (VCV001902590.7), dbSNP rs113439409, ClinGen allele CA286406892.